The following is an entry in ClinVar:

ClinVar aggregate classification (germline): Uncertain significance (1 of 4 stars; one submission).

Allele frequency attached by ClinVar (database versions not stated): gnomAD exomes below 0.00001; TOPMed below 0.00001.
gnomAD v4.1: 2 of 1,587,870 alleles (0.00013%); highest among the groups gnomAD compares: Admixed American, 0.0018%; no homozygotes.

Submission:

Labcorp Genetics (formerly Invitae), Labcorp
Classification: Uncertain significance. Last evaluated: 2021-12-02. Review status: criteria provided, single submitter. Criteria: Invitae Variant Classification Sherloc (09022015). Collection method: clinical testing. Allele origin: germline.
Comment: Algorithms developed to predict the effect of missense changes on protein structure and function (SIFT, PolyPhen-2, Align-GVGD) all suggest that this variant is likely to be tolerated. This sequence change replaces proline, which is neutral and non-polar, with alanine, which is neutral and non-polar, at codon 963 of the ITGA3 protein (p.Pro963Ala). This variant is present in population databases (no rsID available, gnomAD 0.003%). This variant has not been reported in the literature in individuals affected with ITGA3-related conditions. In summary, the available evidence is currently insufficient to determine the role of this variant in disease. Therefore, it has been classified as a Variant of Uncertain Significance.

NM_002204.4(ITGA3):c.2887C>G (p.Pro963Ala)

Gene: ITGA3 (integrin subunit alpha 3; plus strand). Cytogenetic location: 17q21.33.
Variant type: single nucleotide variant.
Coding change: c.2887C>G on transcript NM_002204.4 (MANE Select); coding-DNA position 2887, C replaced by G.
Protein change: p.Pro963Ala; replaces proline 963 with alanine.
Molecular consequence: missense variant.
Genome position (GRCh38, 1-based): chr17:50,081,376, C>G. VCF-style: chr17-50081376-C-G. GRCh37 (hg19) VCF-style: chr17-48158740-C-G.
Other names: short protein forms P963A.
Identifiers: ClinVar variation 1952727 (VCV001952727.5), dbSNP rs1204878390, ClinGen allele CA400191156.